The following is an entry in ClinVar:

NM_001844.5(COL2A1):c.86-8T>C

Gene: COL2A1 (collagen type II alpha 1 chain; minus strand). Cytogenetic location: 12q13.11.
Variant type: single nucleotide variant.
Coding change: c.86-8T>C on transcript NM_001844.5 (MANE Select); 8 bases into the intron before coding-DNA position 86, T replaced by C.
Molecular consequence: intron variant.
Genome position (GRCh38, 1-based): chr12:48,000,133, A>G on the plus strand (T>C on the coding strand, the complement: COL2A1 is on the minus strand). VCF-style: chr12-48000133-A-G. GRCh37 (hg19) VCF-style: chr12-48393916-A-G.
Other names: c.86-1702T>C (NM_033150.3).
Identifiers: ClinVar variation 736573 (VCV000736573.10), dbSNP rs1168355361, ClinGen allele CA605231779.

ClinVar aggregate classification (germline): Likely benign. Review status: criteria provided, multiple submitters, no conflicts (2 of 4 stars). 3 submissions from 3 submitters: Likely benign (3). Last evaluated 2026-04-17.

Conditions:
COL2A1-related disorder. Also called: COL2A1-related condition; COL2A1-related disorders.

Allele frequency attached by ClinVar (database versions not stated): gnomAD exomes below 0.00001; TOPMed 0.00001.
gnomAD v4.1: 9 of 1,602,230 alleles (0.00056%); highest among the groups gnomAD compares: East Asian, 0.0067%; no homozygotes.

Submissions (3):

PreventionGenetics, part of Exact Sciences
Classification: Likely benign for COL2A1-related condition. Last evaluated: 2026-04-17. Review status: criteria provided, single submitter. Criteria: ACMG Guidelines, 2015. Collection method: clinical testing. Allele origin: germline.
Comment: This variant is classified as likely benign based on ACMG/AMP sequence variant interpretation guidelines (Richards et al. 2015 PMID: 25741868, with internal and published modifications).

Labcorp Genetics (formerly Invitae), Labcorp
Classification: Likely benign. Last evaluated: 2025-08-01. Review status: criteria provided, single submitter. Criteria: Invitae Variant Classification Sherloc (09022015). Collection method: clinical testing. Allele origin: germline.

Blueprint Genetics
Classification: Likely benign. Last evaluated: 2024-01-29. Review status: criteria provided, single submitter. Criteria: ACMG Guidelines, 2015. Collection method: clinical testing. Allele origin: germline.